The following is an entry in ClinVar:

ClinVar aggregate classification (germline): Uncertain significance. Review status: criteria provided, multiple submitters, no conflicts (2 of 4 stars). 2 submissions from 2 submitters: Uncertain significance (2). Last evaluated 2025-06-18.

Conditions:
Cardiomyopathy (CMYO). Also called: Cardiomyopathies. Identifiers: Orphanet 167848, MedGen C0878544, MONDO:0004994, HP:0001638. Inheritance: Various modes of inheritance.
Hypertrophic cardiomyopathy. Also called: HYPERTROPHIC MYOCARDIOPATHY. Identifiers: Orphanet 217569, MedGen C0007194, MeSH D002312, MONDO:0005045, HP:0001639.

Submissions (2):

Color Diagnostics, LLC DBA Color Health
Classification: Uncertain significance for Cardiomyopathy. Last evaluated: 2025-06-18. Review status: criteria provided, single submitter. Criteria: ACMG Guidelines, 2015. Collection method: clinical testing. Allele origin: germline.
Comment: This variant changes 1 nucleotide in exon 38 of the MYH7 gene, creating a premature translation stop signal. This variant is expected to result in an absent or non-functional protein product. To our knowledge, this variant has not been reported in individuals affected with MYH7-related disorders in the literature. This variant has been identified in 1/251430 chromosomes in the general population by the Genome Aggregation Database (gnomAD). Clinical relevance of loss-of-function MYH7 truncation variants in autosomal dominant cardiovascular disorders is not clearly established. The available evidence is insufficient to determine the role of this variant in disease conclusively. Therefore, this variant is classified as a Variant of Uncertain Significance.

Labcorp Genetics (formerly Invitae), Labcorp
Classification: Uncertain significance for Hypertrophic cardiomyopathy. Last evaluated: 2024-11-10. Review status: criteria provided, single submitter. Criteria: Invitae Variant Classification Sherloc (09022015). Collection method: clinical testing. Allele origin: germline.
Comment: This sequence change creates a premature translational stop signal (p.Tyr1878*) in the MYH7 gene. It is expected to result in an absent or disrupted protein product. However, the current clinical and genetic evidence is not sufficient to establish whether loss-of-function variants in MYH7 cause disease. This variant is present in population databases (no rsID available, gnomAD 0.003%). This variant has not been reported in the literature in individuals affected with MYH7-related conditions. In summary, the available evidence is currently insufficient to determine the role of this variant in disease. Therefore, it has been classified as a Variant of Uncertain Significance.

NM_000257.4(MYH7):c.5634C>A (p.Tyr1878Ter)

Gene: MYH7 (myosin heavy chain 7; minus strand). Cytogenetic location: 14q11.2.
Variant type: single nucleotide variant.
Coding change: c.5634C>A on transcript NM_000257.4 (MANE Select); coding-DNA position 5634, C replaced by A.
Protein change: p.Tyr1878Ter; replaces tyrosine 1878 with a stop codon.
Molecular consequence: nonsense.
Genome position (GRCh38, 1-based): chr14:23,414,028, G>T on the plus strand (C>A on the coding strand, the complement: MYH7 is on the minus strand). VCF-style: chr14-23414028-G-T. GRCh37 (hg19) VCF-style: chr14-23883237-G-T.
Other names: c.5634C>A, p.Tyr1878Ter (NM_001407004.1); short protein forms Y1878*.
Identifiers: ClinVar variation 3724930 (VCV003724930.3).